The following is an entry in ClinVar:

NM_001085049.3(MRAS):c.27C>A (p.Asp9Glu)

Gene: MRAS (muscle RAS oncogene homolog; plus strand). Cytogenetic location: 3q22.3.
Variant type: single nucleotide variant.
Coding change: c.27C>A on transcript NM_001085049.3 (MANE Select); coding-DNA position 27, C replaced by A.
Protein change: p.Asp9Glu; replaces aspartic acid 9 with glutamic acid.
Molecular consequence: missense variant. On other transcripts: intron variant (3).
Genome position (GRCh38, 1-based): chr3:138,372,910, C>A. VCF-style: chr3-138372910-C-A. GRCh37 (hg19) VCF-style: chr3-138091752-C-A.
Other names: c.27C>A, p.Asp9Glu (NM_001252090.2, NM_012219.4); c.-35-24414C>A (NM_001252091.1); c.-36+24143C>A (NM_001252093.2); c.-36+23878C>A (NM_001252092.2); short protein forms D9E.
Identifiers: ClinVar variation 1810726 (VCV001810726.1), dbSNP rs2474071987, ClinGen allele CA354671279.

ClinVar aggregate classification (germline): Uncertain significance (1 of 4 stars; one submission).

Submission:

GeneDx
Classification: Uncertain significance. Last evaluated: 2022-07-09. Review status: criteria provided, single submitter. Criteria: GeneDx Variant Classification Process June 2021. Collection method: clinical testing. Allele origin: germline. Affected: yes.
Comment: Not observed at significant frequency in large population cohorts (gnomAD); In silico analysis supports that this missense variant has a deleterious effect on protein structure/function; Has not been previously published as pathogenic or benign to our knowledge